The following is an entry in ClinVar:

ClinVar aggregate classification (germline): Uncertain significance. Review status: criteria provided, multiple submitters, no conflicts (2 of 4 stars). 3 submissions from 3 submitters: Uncertain significance (3). Last evaluated 2026-07-27.

Conditions:
PKD1-related disorder. Also called: PKD1-related condition.
Inborn genetic diseases. Identifiers: MedGen C0950123, MeSH D030342.
Polycystic kidney disease, adult type (PKD1). Also called: Polycystic Kidney Disease 1, Autosomal Dominant; Polycystic kidney disease 1; Polycystic kidney disease 1, severe; Polycystic Kidney, Autosomal Dominant; POLYCYSTIC KIDNEY DISEASE, ADULT, TYPE I; POLYCYSTIC KIDNEY DISEASE 1 WITH OR WITHOUT POLYCYSTIC LIVER DISEASE. Identifiers: MedGen C3149841, MONDO:0008263, OMIM 173900.

gnomAD v4.1: 48 of 1,611,678 alleles (0.003%); highest among the groups gnomAD compares: Non-Finnish European, 0.0037%; no homozygotes.

Submissions (3):

PreventionGenetics, part of Exact Sciences
Classification: Uncertain significance for PKD1-related condition. Last evaluated: 2026-07-27. Review status: criteria provided, single submitter. Criteria: ACMG Guidelines, 2015. Collection method: clinical testing. Allele origin: germline.
Comment: The PKD1 c.12389T>C variant is predicted to result in the amino acid substitution p.Val4130Ala. To our knowledge, this variant has not been reported in the literature. This variant is reported in 0.0041% of alleles in individuals of African descent in gnomAD. At this time, the clinical significance of this variant is uncertain due to the absence of conclusive functional and genetic evidence.

Ambry Genetics
Classification: Uncertain significance for Inborn genetic diseases. Last evaluated: 2025-12-09. Review status: criteria provided, single submitter. Criteria: Ambry Variant Classification Scheme 2023. Collection method: clinical testing. Allele origin: germline.

Fulgent Genetics
Classification: Uncertain significance for Polycystic kidney disease, adult type. Last evaluated: 2024-04-12. Review status: criteria provided, single submitter. Criteria: ACMG Guidelines, 2015. Collection method: clinical testing. Allele origin: germline.

NM_001009944.3(PKD1):c.12389T>C (p.Val4130Ala)

Gene: PKD1 (polycystin 1, transient receptor potential channel interacting; minus strand). Cytogenetic location: 16p13.3.
Variant type: single nucleotide variant.
Coding change: c.12389T>C on transcript NM_001009944.3 (MANE Select); coding-DNA position 12389, T replaced by C.
Protein change: p.Val4130Ala; replaces valine 4130 with alanine.
Molecular consequence: missense variant.
Genome position (GRCh38, 1-based): chr16:2,090,340, A>G on the plus strand (T>C on the coding strand, the complement: PKD1 is on the minus strand). VCF-style: chr16-2090340-A-G. GRCh37 (hg19) VCF-style: chr16-2140341-A-G.
Other names: c.12386T>C (NM_000296.3); c.12386T>C, p.Val4129Ala (NM_000296.4); short protein forms V4129A, V4130A.
Identifiers: ClinVar variation 3578850 (VCV003578850.3).
Genomic context (GRCh38, chr16:2,090,340, plus strand): 5'-CCCACCTCCTTGACCTTGCTGAGGCCCATCCAGAGGCGCAGCCTGCGCAGGAACAACTCC[A>G]CCATCTCGTAGTCCTGGGGCTCCCAGGCCGGCCGGTACAGCTCTCCACGCAAGGCGTGGT-3'
Protein context (NP_001009944.3, residues 4120-4140): PAWEPQDYEM[Val4130Ala]ELFLRRLRLW